The following is an entry in ClinVar:

NM_001267550.2(TTN):c.25853G>A (p.Gly8618Glu)

Gene: TTN (titin; minus strand). Cytogenetic location: 2q31.2.
Variant type: single nucleotide variant.
Coding change: c.25853G>A on transcript NM_001267550.2 (MANE Select); coding-DNA position 25853, G replaced by A.
Protein change: p.Gly8618Glu; replaces glycine 8618 with glutamic acid.
Molecular consequence: missense variant. On other transcripts: intron variant (3).
Genome position (GRCh38, 1-based): chr2:178,715,561, C>T on the plus strand (G>A on the coding strand, the complement: TTN is on the minus strand). VCF-style: chr2-178715561-C-T. GRCh37 (hg19) VCF-style: chr2-179580288-C-T.
Other names: p.G8301E:GGA>GAA; c.24902G>A, p.Gly8301Glu (NM_001256850.1); c.22121G>A, p.Gly7374Glu (NM_133378.4); c.13282+22521G>A (NM_003319.4); c.13858+22521G>A (NM_133437.4); c.13657+22521G>A (NM_133432.3); short protein forms G8301E, G8618E, G7374E.
Identifiers: ClinVar variation 203340 (VCV000203340.16), dbSNP rs369947439, ClinGen allele CA312088.

ClinVar aggregate classification (germline): Conflicting classifications of pathogenicity. Review status: criteria provided, conflicting classifications (1 of 4 stars). 6 submissions from 6 submitters: Uncertain significance (5); Likely benign (1). Last evaluated 2026-06-12.

Conditions:
TTN-related disorder. Also called: TTN-related condition; TTN-related disease; TTN-related disorders.
Dilated cardiomyopathy 1G (CMD1G). Identifiers: Orphanet 154, MedGen C1858763, MONDO:0011400, OMIM 604145.
Autosomal recessive limb-girdle muscular dystrophy type 2J (LGMDR10). Also called: Limb-girdle muscular dystrophy, type 2J; MUSCULAR DYSTROPHY, LIMB-GIRDLE, AUTOSOMAL RECESSIVE 10. Identifiers: Orphanet 140922, MedGen C1837342, MONDO:0012127, OMIM 608807.

Allele frequency attached by ClinVar (database versions not stated): ExAC 0.00003; gnomAD exomes 0.00004 and 0.00005; gnomAD 0.00006 and 0.00007; ESP Exome Variant Server 0.00008; TOPMed 0.00008.
gnomAD v4.1: 79 of 1,613,406 alleles (0.0049%); highest among the groups gnomAD compares: Admixed American, 0.03%; no homozygotes.

Submissions (6):

Women's Health and Genetics/Laboratory Corporation of America, LabCorp
Classification: Uncertain significance. Last evaluated: 2026-06-12. Review status: criteria provided, single submitter. Criteria: LabCorp Variant Classification Summary - May 2015. Collection method: clinical testing. Allele origin: germline.
Comment: Variant summary: TTN NM_133378 c.22121G>A (p.Gly7374Glu), also known as NM_001267550 c.25853G>A (p.Gly8618Glu), results in a non-conservative amino acid change in the encoded protein sequence. Algorithms developed to predict the effect of missense changes on protein structure and function all suggest that this variant is likely to be disruptive. The variant allele was found at a frequency of 4.4e-05 in 248596 control chromosomes, predominantly at a frequency of 0.0002 within the Latino subpopulation in the gnomAD database. The available data on variant occurrences in the general population are insufficient to allow any conclusion about variant significance. c.22121G>A has been reported in the literature in an individual affected with sudden cardiac death without evidence of causality (Campuzano_2018). These report(s) do not provide unequivocal conclusions about association of the variant with Dilated Cardiomyopathy. To our knowledge, no experimental evidence demonstrating an impact on protein function has been reported. The following publications have been ascertained in the context of this evaluation (PMID: 30086531, 30377383). ClinVar contains an entry for this variant (Variation ID: 203340). Based on the evidence outlined above, the variant was classified as uncertain significance.

PreventionGenetics, part of Exact Sciences
Classification: Uncertain significance for TTN-related condition. Last evaluated: 2025-08-15. Review status: criteria provided, single submitter. Criteria: ACMG Guidelines, 2015. Collection method: clinical testing. Allele origin: germline.
Comment: The TTN c.25853G>A variant is predicted to result in the amino acid substitution p.Gly8618Glu. This variant has been reported in a cohort of patients with sudden infant death; but was not considered a causative variant (Table 2, Patient 7; Reported as c.22121G>A (p.Gly7374Glu); Campuzano et al. 2018. PubMed ID: 30086531). This variant is reported in 0.020% of alleles in individuals of Latino descent in gnomAD. At this time, the clinical significance of this variant is uncertain due to the absence of conclusive functional and genetic evidence.

Revvity Omics, Revvity
Classification: Uncertain significance. Last evaluated: 2023-12-08. Review status: criteria provided, single submitter. Criteria: ACMG Guidelines, 2015. Collection method: clinical testing. Allele origin: germline.

GeneDx
Classification: Likely benign. Last evaluated: 2021-06-08. Review status: criteria provided, single submitter. Criteria: GeneDx Variant Classification Process June 2021. Collection method: clinical testing. Allele origin: germline. Affected: yes.
Comment: This variant is associated with the following publications: (PMID: 30086531)

Labcorp Genetics (formerly Invitae), Labcorp
Classification: Uncertain significance for Dilated cardiomyopathy 1G; Autosomal recessive limb-girdle muscular dystrophy type 2J. Last evaluated: 2016-08-30. Review status: criteria provided, single submitter. Criteria: Invitae Variant Classification Sherloc (09022015). Collection method: clinical testing. Allele origin: germline.

Eurofins Ntd Llc (ga)
Classification: Uncertain significance. Last evaluated: 2015-09-22. Review status: criteria provided, single submitter. Criteria: EGL Classification Definitions 2015. Collection method: clinical testing. Allele origin: germline. Observed: 1 variant allele, 1 heterozygote.

Literature cited by the submitters: PubMed 30377383 (cited by Women's Health and Genetics/Laboratory Corporation of America, LabCorp); PubMed 30086531 (cited by Women's Health and Genetics/Laboratory Corporation of America, LabCorp).